The following is an entry in ClinVar:

NM_018089.3(ANKZF1):c.1394A>G (p.Glu465Gly)

Gene: ANKZF1 (ankyrin repeat and zinc finger peptidyl tRNA hydrolase 1; plus strand). Cytogenetic location: 2q35.
Variant type: single nucleotide variant.
Coding change: c.1394A>G on transcript NM_018089.3 (MANE Select); coding-DNA position 1394, A replaced by G.
Protein change: p.Glu465Gly; replaces glutamic acid 465 with glycine.
Molecular consequence: missense variant.
Genome position (GRCh38, 1-based): chr2:219,235,015, A>G. VCF-style: chr2-219235015-A-G. GRCh37 (hg19) VCF-style: chr2-220099737-A-G.
Other names: c.1394A>G, p.Glu465Gly (NM_001042410.2); c.764A>G, p.Glu255Gly (NM_001282792.2); short protein forms E465G, E255G.
Identifiers: ClinVar variation 2909441 (VCV002909441.3), dbSNP rs915528031, ClinGen allele CA65971907.

ClinVar aggregate classification (germline): Uncertain significance (1 of 4 stars; one submission).

Allele frequency attached by ClinVar (database versions not stated): gnomAD exomes below 0.00001; TOPMed 0.00001.
gnomAD v4.1: 2 of 1,614,276 alleles (0.00012%); highest among the groups gnomAD compares: Admixed American, 0.0033%; no homozygotes.

Submission:

Labcorp Genetics (formerly Invitae), Labcorp
Classification: Uncertain significance. Last evaluated: 2023-05-11. Review status: criteria provided, single submitter. Criteria: Invitae Variant Classification Sherloc (09022015). Collection method: clinical testing. Allele origin: germline.
Comment: This sequence change replaces glutamic acid, which is acidic and polar, with glycine, which is neutral and non-polar, at codon 465 of the ANKZF1 protein (p.Glu465Gly). This variant is present in population databases (no rsID available, gnomAD 0.003%). This variant has not been reported in the literature in individuals affected with ANKZF1-related conditions. An algorithm developed to predict the effect of missense changes on protein structure and function (PolyPhen-2) suggests that this variant is likely to be tolerated. In summary, the available evidence is currently insufficient to determine the role of this variant in disease. Therefore, it has been classified as a Variant of Uncertain Significance.